The following is an entry in ClinVar:

NM_000152.5(GAA):c.2189+1153A>G

Gene: GAA (alpha glucosidase; plus strand). Cytogenetic location: 17q25.3.
Variant type: single nucleotide variant.
Coding change: c.2189+1153A>G on transcript NM_000152.5 (MANE Select); 1153 bases into the intron after coding-DNA position 2189, A replaced by G.
Molecular consequence: intron variant.
Genome position (GRCh38, 1-based): chr17:80,114,519, A>G. VCF-style: chr17-80114519-A-G. GRCh37 (hg19) VCF-style: chr17-78088318-A-G.
Other names: c.2189+1153A>G (NM_001406741.1, NM_001406742.1, NM_001079803.3 and 1 more transcripts).
Identifiers: ClinVar variation 4876356 (VCV004876356.1).

ClinVar aggregate classification (germline): Benign (1 of 4 stars; one submission).

Conditions:
Glycogen storage disease, type II (IOPD). Also called: Pompe Disease; CARDIOMEGALIA GLYCOGENICA DIFFUSA; GLYCOGENOSIS, GENERALIZED, CARDIAC FORM; GSD II; POMPE DISEASE, INFANTILE-ONSET; GLYCOGEN STORAGE DISEASE II, INFANTILE-ONSET. Identifiers: Orphanet 365, MedGen C0017921, MONDO:0009290, OMIM 232300.

gnomAD v4.1: 6,638 of 152,146 alleles (4.4%); highest among the groups gnomAD compares: East Asian, 24%; 305 homozygotes.

Submission:

Genomenon, Inc
Classification: Benign for Glycogen storage disease, type II. Last evaluated: 2026-07-01. Review status: criteria provided, single submitter. Criteria: Genomenon Sequence Variant Interpretation Standards - Updated. Collection method: curation. Allele origin: germline. Affected: no.
Comment: GAA c.2189+1153A>G is an intronic variant located in intron 15. This variant is present at high allele frequency in population databases. We classify GAA c.2189+1153A>G as a benign variant.